The following is an entry in ClinVar:

NC_000017.10:g.(?_57733195)_(57771213_?)dup

Gene: CLTC (clathrin heavy chain; plus strand). Cytogenetic location: 17q23.1.
Variant type: Duplication.
Identifiers: ClinVar variation 3243144 (VCV003243144.1).

ClinVar aggregate classification (germline): Uncertain significance (1 of 4 stars; one submission).

Submission:

Labcorp Genetics (formerly Invitae), Labcorp
Classification: Uncertain significance. Last evaluated: 2023-10-03. Review status: criteria provided, single submitter. Criteria: Invitae Variant Classification Sherloc (09022015). Collection method: clinical testing. Allele origin: unknown.
Comment: This variant results in a copy number gain of the genomic region encompassing exon(s) 6-32 of the CLTC gene. This region includes the termination codon of the gene. This copy number gain extends beyond the assayed region for this gene and therefore may encompass additional genes. As the precise location of this event is unknown, it may be in tandem or it may be located elsewhere in the genome. This variant has not been reported in the literature in individuals affected with CLTC-related conditions. Experimental studies and prediction algorithms are not available or were not evaluated, and the functional significance of this variant is currently unknown. In summary, the available evidence is currently insufficient to determine the role of this variant in disease. Therefore, it has been classified as a Variant of Uncertain Significance.